The following is an entry in ClinVar:

ClinVar aggregate classification (germline): Pathogenic. Review status: no assertion criteria provided (0 of 4 stars). 2 submissions from 2 submitters: Pathogenic (2). Last evaluated 2011-08-12.

Conditions:
Neuropathy, hereditary sensory, type 2C. Also called: Hereditary sensory and autonomic neuropathy type IIC; KIF1A-Related HSAN2 (HSAN2C). Identifiers: Orphanet 970, MedGen C3280168, MONDO:0013634, OMIM 614213.
Neuropathy, hereditary sensory and autonomic, type 2A (HSAN2A). Also called: HSAN IIA; ACROOSTEOLYSIS, GIACCAI TYPE; ACROOSTEOLYSIS, NEUROGENIC; MORVAN DISEASE; NEUROPATHY, CONGENITAL SENSORY; NEUROPATHY, HEREDITARY SENSORY RADICULAR, AUTOSOMAL RECESSIVE. Identifiers: Orphanet 970, MedGen C2752089, MONDO:0024309, OMIM 201300.

Submissions (2):

OMIM
Classification: Pathogenic for NEUROPATHY, HEREDITARY SENSORY, TYPE IIC. Last evaluated: 2011-08-12. Review status: no assertion criteria provided. Collection method: literature only. Allele origin: germline.

GeneReviews
Classification: Pathogenic for Hereditary Sensory and Autonomic Neuropathy Type II. Last evaluated: 2010-11-23. Review status: no assertion criteria provided. Collection method: curation. Allele origin: unknown.
ClinVar note: Converted during submission from pathologic to Pathogenic.

Literature cited by the submitters: PubMed 21820098 (cited by OMIM).

NM_001244008.2(KIF1A):c.5271dup (p.Ser1758fs)

Gene: KIF1A (kinesin family member 1A; minus strand). Cytogenetic location: 2q37.3.
Variant type: Duplication.
Coding change: c.5271dup on transcript NM_001244008.2 (MANE Select); coding-DNA position 5271, one base duplicated (C; older notation c.5271dupC).
Protein change: p.Ser1758fs; shifts the reading frame from serine 1758.
Molecular consequence: frameshift variant.
Genome position (GRCh38, 1-based): chr2:240,718,112, G duplicated on the plus strand (C on the coding strand, the reverse complement: KIF1A is on the minus strand); the first of 2 consecutive G bases (chr2:240,718,112-240,718,113); duplicating either gives the same sequence. VCF-style (leftmost placement, unchanged base first): chr2-240718111-T-TG. GRCh37 (hg19) VCF-style: chr2-241657528-T-TG.
Other names: AB290172.1:c.5271dupC [p.Ser1758Glnfs*7]; c.5271dupC; c.4995dup, p.Ser1666fs (NM_001320705.2, NM_001379649.1); c.5022dup, p.Ser1675fs (NM_001330289.2); c.5070dup, p.Ser1691fs (NM_001330290.2, NM_001379648.1); c.5346dup, p.Ser1783fs (NM_001379631.1); c.5247dup, p.Ser1750fs (NM_001379632.1); c.5244dup, p.Ser1749fs (NM_001379633.1, NM_001379645.1); and 10 more; short protein forms S1656fs, S1657fs, S1750fs, S1758fs, S1645fs, S1674fs, S1682fs, S1699fs.
Identifiers: ClinVar variation 65875 (VCV000065875.4), dbSNP rs587778798, ClinGen allele CA345210.
Genomic context (GRCh38, chr2:240,718,111, plus strand): 5'-GTATGGTCCCGGCCAGGAGGGGGTTGAAGGCGTACAGCCAGTCATGCATGTCCTTGTCGC[T>TG]GGCGGCCTGCAGCAGGATGCCGCGGTGTTCCGTGCACACCGCGAATGTGTTGGGTGTCTG-3'